The following is an entry in ClinVar:

NM_003579.4(RAD54L):c.2203T>A (p.Phe735Ile)

Genes: LRRC41 (leucine rich repeat containing 41; minus strand), RAD54L (RAD54 like; plus strand). Cytogenetic location: 1p34.1.
Variant type: single nucleotide variant.
Coding change: c.2203T>A on transcript NM_003579.4 (MANE Select); coding-DNA position 2203, T replaced by A.
Protein change: p.Phe735Ile; replaces phenylalanine 735 with isoleucine.
Molecular consequence: missense variant. On other transcripts: 3 prime UTR variant (1).
Genome position (GRCh38, 1-based): chr1:46,278,241, T>A. VCF-style: chr1-46278241-T-A. GRCh37 (hg19) VCF-style: chr1-46743913-T-A.
Other names: c.*624A>T (NM_006369.5); c.2203T>A, p.Phe735Ile (NM_001142548.2); c.1663T>A, p.Phe555Ile (NM_001370766.1); short protein forms F555I, F735I.
Identifiers: ClinVar variation 1787668 (VCV001787668.2), dbSNP rs748279402, ClinGen allele CA340191448.
Genomic context (GRCh38, chr1:46,278,241, plus strand): 5'-CTCCGGGATGAGGTACTCCAGGCTGCCTGGGATGCTGCCTCCACTGCCATCACCTTCGTC[T>A]TCCACCAGCGTTCTCATGAGGAGCAGCGGGGCCTCCGCTGATAACCAGCTGGTCTGGGTG-3'
Protein context (NP_003570.2, residues 725-745): DAASTAITFV[Phe735Ile]HQRSHEEQRG

ClinVar aggregate classification (germline): Uncertain significance (1 of 4 stars; one submission).

Submission:

Ambry Genetics
Classification: Uncertain significance. Last evaluated: 2021-08-08. Review status: criteria provided, single submitter. Criteria: Ambry Variant Classification Scheme 2023. Collection method: clinical testing. Allele origin: germline.
Comment: The p.F735I variant (also known as c.2203T>A), located in coding exon 18 of the RAD54L gene, results from a T to A substitution at nucleotide position 2203. The phenylalanine at codon 735 is replaced by isoleucine, an amino acid with highly similar properties. This amino acid position is conserved. In addition, this alteration is predicted to be deleterious by in silico analysis. Since supporting evidence is limited at this time, the clinical significance of this alteration remains unclear.